The following is an entry in ClinVar:

NM_003504.5(CDC45):c.314A>G (p.Asn105Ser)

Gene: CDC45 (cell division cycle 45; plus strand). Cytogenetic location: 22q11.21.
Variant type: single nucleotide variant.
Coding change: c.314A>G on transcript NM_003504.5 (MANE Select); coding-DNA position 314, A replaced by G.
Protein change: p.Asn105Ser; replaces asparagine 105 with serine.
Molecular consequence: missense variant. On other transcripts: non-coding transcript variant (1), intron variant (1).
Genome position (GRCh38, 1-based): chr22:19,482,799, A>G. VCF-style: chr22-19482799-A-G. GRCh37 (hg19) VCF-style: chr22-19470322-A-G.
Other names: c.314A>G, p.Asn105Ser (NM_001178010.2); c.278A>G, p.Asn93Ser (NM_001369291.1); c.205-1063A>G (NM_001178011.2); short protein forms N93S, N105S.
Identifiers: ClinVar variation 2166477 (VCV002166477.1), dbSNP rs781048422, ClinGen allele CA10100998.

ClinVar aggregate classification (germline): Uncertain significance (1 of 4 stars; one submission).

Allele frequency attached by ClinVar (database versions not stated): gnomAD 0.00001; ExAC 0.00002; gnomAD exomes 0.00002; TOPMed 0.00003.
gnomAD v4.1: 25 of 1,613,994 alleles (0.0015%); highest among the groups gnomAD compares: Middle Eastern, 0.13%; no homozygotes.

Submission:

Labcorp Genetics (formerly Invitae), Labcorp
Classification: Uncertain significance. Last evaluated: 2022-08-05. Review status: criteria provided, single submitter. Criteria: Invitae Variant Classification Sherloc (09022015). Collection method: clinical testing. Allele origin: germline.
Comment: This sequence change replaces asparagine, which is neutral and polar, with serine, which is neutral and polar, at codon 105 of the CDC45 protein (p.Asn105Ser). This variant is present in population databases (rs781048422, gnomAD 0.02%). This variant has not been reported in the literature in individuals affected with CDC45-related conditions. Algorithms developed to predict the effect of missense changes on protein structure and function are either unavailable or do not agree on the potential impact of this missense change (SIFT: "Deleterious"; PolyPhen-2: "Possibly Damaging"; Align-GVGD: "Class C0"). In summary, the available evidence is currently insufficient to determine the role of this variant in disease. Therefore, it has been classified as a Variant of Uncertain Significance.